The following is an entry in ClinVar:

NM_000260.4(MYO7A):c.6235C>T (p.Arg2079Trp)

Gene: MYO7A (myosin VIIA; plus strand). Cytogenetic location: 11q13.5.
Variant type: single nucleotide variant.
Coding change: c.6235C>T on transcript NM_000260.4 (MANE Select); coding-DNA position 6235, C replaced by T.
Protein change: p.Arg2079Trp; replaces arginine 2079 with tryptophan.
Molecular consequence: missense variant.
Genome position (GRCh38, 1-based): chr11:77,211,335, C>T. VCF-style: chr11-77211335-C-T. GRCh37 (hg19) VCF-style: chr11-76922380-C-T.
Other names: c.6121C>T, p.Arg2041Trp (NM_001127180.2); c.6088C>T, p.Arg2030Trp (NM_001369365.1); short protein forms R2079W, R2041W, R2030W.
Identifiers: ClinVar variation 550490 (VCV000550490.11), dbSNP rs759614902, ClinGen allele CA6198956.

ClinVar aggregate classification (germline): Uncertain significance. Review status: criteria provided, multiple submitters, no conflicts (2 of 4 stars). 4 submissions from 4 submitters: Uncertain significance (3). 1 of the submissions does not count toward it. Last evaluated 2025-07-16.

Conditions:
Autosomal dominant nonsyndromic hearing loss 11. Identifiers: Orphanet 90635, MedGen C1832475, MONDO:0011032, OMIM 601317.
Autosomal recessive nonsyndromic hearing loss 2. Also called: DEAFNESS, AUTOSOMAL RECESSIVE 2; NEUROSENSORY NONSYNDROMIC RECESSIVE DEAFNESS 2. Identifiers: Orphanet 90636, MedGen C1838701, MONDO:0010807, OMIM 600060.
Usher syndrome type 1 (USH1). Also called: RETINITIS PIGMENTOSA AND CONGENITAL DEAFNESS. Identifiers: Orphanet 231169, Orphanet 886, MedGen C1568247, MONDO:0010168, OMIM 276900.
Usher syndrome type 1B (USH1B). Also called: Usher syndrome type IB. Identifiers: MedGen C1848638, MONDO:0700087.

Allele frequency attached by ClinVar (database versions not stated): TOPMed 0.00002; ExAC 0.00003.
gnomAD v4.1: 15 of 1,577,284 alleles (0.00095%); highest among the groups gnomAD compares: East Asian, 0.0023%; no homozygotes.

Submissions (4):

Labcorp Genetics (formerly Invitae), Labcorp
Classification: Uncertain significance. Last evaluated: 2025-07-16. Review status: criteria provided, single submitter. Criteria: Invitae Variant Classification Sherloc (09022015). Collection method: clinical testing. Allele origin: germline.
Comment: This sequence change replaces arginine, which is basic and polar, with tryptophan, which is neutral and slightly polar, at codon 2079 of the MYO7A protein (p.Arg2079Trp). The frequency data for this variant in the population databases is considered unreliable, as metrics indicate poor data quality at this position in the gnomAD database. This missense change has been observed in individual(s) with non-syndromic hearing loss (PMID: 26346818). ClinVar contains an entry for this variant (Variation ID: 550490). An algorithm developed to predict the effect of missense changes on protein structure and function (PolyPhen-2) suggests that this variant is likely to be disruptive. In summary, the available evidence is currently insufficient to determine the role of this variant in disease. Therefore, it has been classified as a Variant of Uncertain Significance.

Myriad Genetics, Inc.
Classification: Uncertain significance for Usher syndrome type 1. Last evaluated: 2021-11-08. Review status: criteria provided, single submitter. Criteria: Myriad Women's Health Autosomal Recessive and X-Linked Classification Criteria (2021). Collection method: clinical testing. Allele origin: unknown.
Comment: NM_000260.3(MYO7A):c.6235C>T(R2079W) is a missense variant classified as a variant of uncertain significance in the context of MYO7A-related disorders. R2079W has been observed in cases with relevant disease (PMID: 23967202, 26346818). Functional assessments of this variant are not available in the literature. R2079W has been observed in population frequency databases (gnomAD: EAS 0.01%). In summary, there is insufficient evidence to classify NM_000260.3(MYO7A):c.6235C>T(R2079W) as pathogenic or benign. Please note: this variant was assessed in the context of healthy population screening.

Fulgent Genetics
Classification: Uncertain significance for Usher syndrome type 1; Autosomal recessive nonsyndromic hearing loss 2; Autosomal dominant nonsyndromic hearing loss 11. Last evaluated: 2021-09-15. Review status: criteria provided, single submitter. Criteria: ACMG Guidelines, 2015. Collection method: clinical testing. Allele origin: unknown.

Natera, Inc.
Classification: Uncertain significance for Usher syndrome type 1B. Last evaluated: 2020-09-16. Review status: no assertion criteria provided. Collection method: clinical testing. Allele origin: germline. Not counted in ClinVar's aggregate classification.

Literature cited by the submitters: PubMed 26346818 (cited by Labcorp Genetics (formerly Invitae), Labcorp and Myriad Genetics, Inc.); PubMed 23967202 (cited by Myriad Genetics, Inc.).